The following is an entry in ClinVar:

ClinVar aggregate classification (germline): Pathogenic/Likely pathogenic. Review status: criteria provided, multiple submitters, no conflicts (2 of 4 stars). 3 submissions from 3 submitters: Pathogenic (2); Likely pathogenic (1). Last evaluated 2026-04-14.

Conditions:
Familial intrahepatic cholestasis. Identifiers: Orphanet 284385, MedGen CN296401, MONDO:0017290.
Progressive familial intrahepatic cholestasis type 2. Identifiers: Orphanet 79304, MedGen C3489789, MONDO:0011156, OMIM 601847.

Submissions (3):

Genomenon, Inc
Classification: Pathogenic for Familial intrahepatic cholestasis. Last evaluated: 2026-04-14. Review status: criteria provided, single submitter. Criteria: Genomenon Sequence Variant Interpretation Standards - Updated. Collection method: curation. Allele origin: germline. Affected: yes.
Comment: ABCB11 c.98+1G>A is a canonical splice variant affecting the donor splice site of intron 3. It is predicted to affect mRNA splicing, leading to a deleterious effect on the ABCB11 protein. This variant has been observed in at least one proband with an ABCB11-related disorder (PMID:37697751). It is absent or not present at a significant frequency in gnomAD. In conclusion, we classify ABCB11 c.98+1G>A as a pathogenic variant.

Natera, Inc.
Classification: Pathogenic for Progressive familial intrahepatic cholestasis type 2. Last evaluated: 2025-03-10. Review status: criteria provided, single submitter. Criteria: Natera Variant Classification Schema (03/2026). Collection method: clinical testing. Allele origin: germline.
Comment: The c.98+1G>A variant in ABCB11 is a canonical splice donor site variant predicted to affect pre-mRNA splicing, which may result in an abnormal transcript and altered protein product. This variant is expected to result in nonsense mediated decay, truncation, or a dysfunctional protein product. This variant is rare in the general population with a frequency below the threshold expected for the associated phenotype(s). This variant has been observed in one or more individuals affected with the associated recessive disease, as either homozygous or compound heterozygous with a second variant (PMID: 37697751). Given the available evidence, this variant is classified as Pathogenic.

Labcorp Genetics (formerly Invitae), Labcorp
Classification: Likely pathogenic. Last evaluated: 2019-11-11. Review status: criteria provided, single submitter. Criteria: Invitae Variant Classification Sherloc (09022015). Collection method: clinical testing. Allele origin: germline.
Comment: Algorithms developed to predict the effect of sequence changes on RNA splicing suggest that this variant may disrupt the consensus splice site, but this prediction has not been confirmed by published transcriptional studies. This sequence change affects a donor splice site in intron 3 of the ABCB11 gene. It is expected to disrupt RNA splicing and likely results in an absent or disrupted protein product. This variant is not present in population databases (ExAC no frequency). This variant has not been reported in the literature in individuals with ABCB11-related conditions. Donor and acceptor splice site variants typically lead to a loss of protein function (PMID: 16199547), and loss-of-function variants in ABCB11 are known to be pathogenic (PMID: 18395098, 20232290). In summary, the currently available evidence indicates that the variant is pathogenic, but additional data are needed to prove that conclusively. Therefore, this variant has been classified as Likely Pathogenic.

Literature cited by the submitters: PubMed 37697751 (cited by Genomenon, Inc and Natera, Inc.); PubMed 16199547 (cited by Labcorp Genetics (formerly Invitae), Labcorp); PubMed 18395098 (cited by Labcorp Genetics (formerly Invitae), Labcorp); PubMed 20232290 (cited by Labcorp Genetics (formerly Invitae), Labcorp).

NM_003742.4(ABCB11):c.98+1G>A

Gene: ABCB11 (ATP binding cassette subfamily B member 11; minus strand). Cytogenetic location: 2q31.1.
Variant type: single nucleotide variant.
Coding change: c.98+1G>A on transcript NM_003742.4 (MANE Select); the canonical splice donor site of the intron after coding-DNA position 98, G replaced by A.
Molecular consequence: splice donor variant.
Genome position (GRCh38, 1-based): chr2:169,016,777, C>T on the plus strand (G>A on the coding strand, the complement: ABCB11 is on the minus strand). VCF-style: chr2-169016777-C-T. GRCh37 (hg19) VCF-style: chr2-169873287-C-T.
Identifiers: ClinVar variation 970813 (VCV000970813.11), dbSNP rs1695369774, ClinGen allele CA349106904.